The following is an entry in ClinVar:

NM_177438.3(DICER1):c.1960A>G (p.Arg654Gly)

Gene: DICER1 (dicer 1, ribonuclease III; minus strand). Cytogenetic location: 14q32.13.
Variant type: single nucleotide variant.
Coding change: c.1960A>G on transcript NM_177438.3 (MANE Select); coding-DNA position 1960, A replaced by G.
Protein change: p.Arg654Gly; replaces arginine 654 with glycine.
Molecular consequence: missense variant.
Genome position (GRCh38, 1-based): chr14:95,113,172, T>C on the plus strand (A>G on the coding strand, the complement: DICER1 is on the minus strand). VCF-style: chr14-95113172-T-C. GRCh37 (hg19) VCF-style: chr14-95579509-T-C.
Other names: c.1960A>G, p.Arg654Gly (NM_001195573.1, NM_001271282.3, NM_001291628.2 and 1 more transcripts); short protein forms R654G.
Identifiers: ClinVar variation 477077 (VCV000477077.11), dbSNP rs1555372083, ClinGen allele CA390883374.

ClinVar aggregate classification (germline): Uncertain significance. Review status: criteria provided, multiple submitters, no conflicts (2 of 4 stars). 2 submissions from 2 submitters: Uncertain significance (2). Last evaluated 2023-12-21.

Conditions:
DICER1-related tumor predisposition. Also called: DICER1-related pleuropulmonary blastoma cancer predisposition syndrome; DICER1 syndrome. Identifiers: Orphanet 284343, MedGen C3839822, MONDO:0100216.
Hereditary cancer-predisposing syndrome. Also called: Tumor predisposition; Neoplastic Syndromes, Hereditary; Hereditary Cancer Syndrome; Hereditary neoplastic syndrome. Identifiers: Orphanet 140162, MedGen C0027672, MeSH D009386, MONDO:0015356.

Submissions (2):

Ambry Genetics
Classification: Uncertain significance for Hereditary cancer-predisposing syndrome. Last evaluated: 2023-12-21. Review status: criteria provided, single submitter. Criteria: Ambry Variant Classification Scheme 2023. Collection method: clinical testing. Allele origin: germline.
Comment: The p.R654G variant (also known as c.1960A>G), located in coding exon 11 of the DICER1 gene, results from an A to G substitution at nucleotide position 1960. The arginine at codon 654 is replaced by glycine, an amino acid with dissimilar properties. This amino acid position is conserved. In addition, this alteration is predicted to be tolerated by in silico analysis. Since supporting evidence is limited at this time, the clinical significance of this alteration remains unclear.

Labcorp Genetics (formerly Invitae), Labcorp
Classification: Uncertain significance for DICER1-related tumor predisposition. Last evaluated: 2017-07-27. Review status: criteria provided, single submitter. Criteria: Invitae Variant Classification Sherloc (09022015). Collection method: clinical testing. Allele origin: germline.
Comment: In summary, the available evidence is currently insufficient to determine the role of this variant in disease. Therefore, it has been classified as a Variant of Uncertain Significance. Algorithms developed to predict the effect of missense changes on protein structure and function (SIFT, PolyPhen-2, Align-GVGD) all suggest that this variant is likely to be tolerated, but these predictions have not been confirmed by published functional studies and their clinical significance is uncertain. This variant has not been reported in the literature in individuals with DICER1-related disease. This variant is not present in population databases (ExAC no frequency). This sequence change replaces arginine with glycine at codon 654 of the DICER1 protein (p.Arg654Gly). The arginine residue is weakly conserved and there is a moderate physicochemical difference between arginine and glycine.